The following is an entry in ClinVar:

ClinVar aggregate classification (germline): Uncertain significance. Review status: criteria provided, single submitter (1 of 4 stars). 2 submissions from 2 submitters: Uncertain significance (1). 1 of the submissions does not count toward it. Last evaluated 2025-10-09.

Conditions:
PRPH2-related disorder. Also called: PRPH2-related disorders; PRPH2-related condition. Identifiers: MedGen CN239395.
Retinal dystrophy. Also called: Inherited retinal dystrophy. Identifiers: Orphanet 71862, MedGen C0854723, MeSH D058499, MONDO:0019118, HP:0000556.

gnomAD v4.1: 5 of 1,614,152 alleles (0.00031%); highest among the groups gnomAD compares: Non-Finnish European, 0.00042%; no homozygotes.

Submissions (2):

PreventionGenetics, part of Exact Sciences
Classification: Uncertain significance for PRPH2-related condition. Last evaluated: 2025-10-09. Review status: criteria provided, single submitter. Criteria: ACMG Guidelines, 2015. Collection method: clinical testing. Allele origin: germline.
Comment: The PRPH2 c.851G>A variant is predicted to result in the amino acid substitution p.Arg284His. To our knowledge, this variant has not been reported in the literature or in a large population database (gnomAD), indicating this variant is rare. Alternate nucleotide changes impacting the same amino acid position (p.Arg284Gly, p.Arg284Cys) have been reported in individuals with retinal disease (Heath et al. 2024. PubMed ID: 38743414, Supplemental table 2, Peeters et al. 2021. PubMed ID: 34411390). Although we suspect that this variant may be pathogenic, the clinical significance of this variant is classified as uncertain at this time due to insufficient functional and genetic evidence.

Institute of Human Genetics, Univ. Regensburg, Univ. Regensburg
Classification: Likely pathogenic for Retinal dystrophy. Last evaluated: 2015-01-01. Review status: no assertion criteria provided. Criteria: ACMG Guidelines, 2015. Collection method: clinical testing. Allele origin: germline. Affected: yes. Not counted in ClinVar's aggregate classification.

NM_000322.5(PRPH2):c.851G>A (p.Arg284His)

Gene: PRPH2 (peripherin 2; minus strand). Cytogenetic location: 6p21.1.
Variant type: single nucleotide variant.
Coding change: c.851G>A on transcript NM_000322.5 (MANE Select); coding-DNA position 851, G replaced by A.
Protein change: p.Arg284His; replaces arginine 284 with histidine.
Molecular consequence: missense variant.
Genome position (GRCh38, 1-based): chr6:42,698,485, C>T on the plus strand (G>A on the coding strand, the complement: PRPH2 is on the minus strand). VCF-style: chr6-42698485-C-T. GRCh37 (hg19) VCF-style: chr6-42666223-C-T.
Other names: c.851G>A (NM_000322.4); short protein forms R284H.
Identifiers: ClinVar variation 3249786 (VCV003249786.2).
Genomic context (GRCh38, chr6:42,698,485, plus strand): 5'-TGGCTCTCGCTCTCAGATTCCTCGGGGTTGGACACACCATCCAGCGACGTCTGTAGGTAG[C>T]GCAGCCCAATTGTAATGGTCACCTGGTGGTGGGAGAGGAGATTTAGAGGCAATCTGGGAG-3'
Protein context (NP_000313.2, residues 274-294): LFEVTITIGL[Arg284His]YLQTSLDGVS